The following is an entry in ClinVar:

ClinVar aggregate classification (germline): Uncertain significance (1 of 4 stars; one submission).

Conditions:
Dyskeratosis congenita. Identifiers: Orphanet 1775, MedGen C0265965, MONDO:0015780.

gnomAD v4.1: 1 of 1,614,168 alleles (0.000062%); no homozygotes.

Submission:

Labcorp Genetics (formerly Invitae), Labcorp
Classification: Uncertain significance for Dyskeratosis congenita. Last evaluated: 2025-06-29. Review status: criteria provided, single submitter. Criteria: Invitae Variant Classification Sherloc (09022015). Collection method: clinical testing. Allele origin: germline.
Comment: This sequence change replaces arginine, which is basic and polar, with proline, which is neutral and non-polar, at codon 295 of the CTC1 protein (p.Arg295Pro). This variant is not present in population databases (gnomAD no frequency). This variant has not been reported in the literature in individuals affected with CTC1-related conditions. Invitae Evidence Modeling of protein sequence and biophysical properties (such as structural, functional, and spatial information, amino acid conservation, physicochemical variation, residue mobility, and thermodynamic stability) indicates that this missense variant is not expected to disrupt CTC1 protein function with a negative predictive value of 80%. In summary, the available evidence is currently insufficient to determine the role of this variant in disease. Therefore, it has been classified as a Variant of Uncertain Significance.

NM_025099.6(CTC1):c.884G>C (p.Arg295Pro)

Gene: CTC1 (CST telomere replication complex component 1; minus strand). Cytogenetic location: 17p13.1.
Variant type: single nucleotide variant.
Coding change: c.884G>C on transcript NM_025099.6 (MANE Select); coding-DNA position 884, G replaced by C.
Protein change: p.Arg295Pro; replaces arginine 295 with proline.
Molecular consequence: missense variant. On other transcripts: non-coding transcript variant (1).
Genome position (GRCh38, 1-based): chr17:8,236,251, C>G on the plus strand (G>C on the coding strand, the complement: CTC1 is on the minus strand). VCF-style: chr17-8236251-C-G. GRCh37 (hg19) VCF-style: chr17-8139569-C-G.
Other names: c.884G>C, p.Arg295Pro (NM_001411067.1); short protein forms R295P.
Identifiers: ClinVar variation 4806017 (VCV004806017.1).